The following is an entry in ClinVar:

ClinVar aggregate classification (germline): Uncertain significance. Review status: criteria provided, multiple submitters, no conflicts (2 of 4 stars). 2 submissions from 2 submitters: Uncertain significance (2). Last evaluated 2024-12-28.

Conditions:
Cardiovascular phenotype. Identifiers: MedGen CN230736.

Allele frequency attached by ClinVar (database versions not stated): ESP Exome Variant Server 0.00008; gnomAD exomes below 0.00001; gnomAD 0.00001; TOPMed 0.00001.
gnomAD v4.1: 3 of 1,614,082 alleles (0.00019%); highest among the groups gnomAD compares: Non-Finnish European, 0.00025%; no homozygotes.

Submissions (2):

Ambry Genetics
Classification: Uncertain significance for Cardiovascular phenotype. Last evaluated: 2024-12-28. Review status: criteria provided, single submitter. Criteria: Ambry Variant Classification Scheme 2023. Collection method: clinical testing. Allele origin: germline.
Comment: The p.A122T variant (also known as c.364G>A), located in coding exon 2 of the SNTA1 gene, results from a G to A substitution at nucleotide position 364. The alanine at codon 122 is replaced by threonine, an amino acid with similar properties. This amino acid position is highly conserved in available vertebrate species. In addition, the in silico prediction for this alteration is inconclusive. Since supporting evidence is limited at this time, the clinical significance of this alteration remains unclear.

GeneDx
Classification: Uncertain significance. Last evaluated: 2012-08-12. Review status: criteria provided, single submitter. Criteria: GeneDx Variant Classification (06012015). Collection method: clinical testing. Allele origin: germline. Affected: yes.
Comment: The Ala122Thr variant in the SNTA1 gene has not been reported as a disease-causing mutation or as a benign polymorphism to our knowledge. Ala122Thr results in a non-conservative amino acid substitution of a non-polar Alanine with a neutral, polar Threonine at a position that is conserved across species. Ala122Thr was not observed with a significant allele frequency in individuals of European or African American ancestry as reported by the NHLBI ESP Exome Variant Server. However, no pathogenic mutations have been reported in this region of the SNTA1 gene to date. In summary, the clinical significance of the Ala122Thr variant in the SNTA1 gene is currently unknown. The pathogenic role for this variant would be supported if it occurred de novo in an individual or if it co-segregates, independently of the KCNH2 mutation, with a LQTS phenotype in a family. The variant is found in LQT panel(s).

NM_003098.3(SNTA1):c.364G>A (p.Ala122Thr)

Gene: SNTA1 (syntrophin alpha 1; minus strand). Cytogenetic location: 20q11.21.
Variant type: single nucleotide variant.
Coding change: c.364G>A on transcript NM_003098.3 (MANE Select); coding-DNA position 364, G replaced by A.
Protein change: p.Ala122Thr; replaces alanine 122 with threonine.
Molecular consequence: missense variant.
Genome position (GRCh38, 1-based): chr20:33,438,973, C>T on the plus strand (G>A on the coding strand, the complement: SNTA1 is on the minus strand). VCF-style: chr20-33438973-C-T. GRCh37 (hg19) VCF-style: chr20-32026779-C-T.
Other names: p.A122T:GCA>ACA; short protein forms A122T.
Identifiers: ClinVar variation 190928 (VCV000190928.5), dbSNP rs151113230, ClinGen allele CA302312.
Genomic context (GRCh38, chr20:33,438,973, plus strand): 5'-CTTCCCCATTCACAGACAGGATGGCATCCCCCACAAAAAGGGCCTCTGTCTGGTCAGCTG[C>T]CAATCCCTTGAAGATCTTGGAAATGAGAATAGGCATCTTGTTCTCCCGGCCGCCTGCACA-3'
Protein context (NP_003089.1, residues 112-132): ILISKIFKGL[Ala122Thr]ADQTEALFVG